The following is an entry in ClinVar:

NM_001127511.3(APC):c.-137T>G

Gene: APC (APC regulator of Wnt signaling pathway; plus strand). Cytogenetic location: 5q22.2.
Variant type: single nucleotide variant.
Coding change: c.-137T>G on transcript NM_001127511.3; 137 bases upstream of the start codon, T replaced by G.
Molecular consequence: 5 prime UTR variant. On other transcripts: non-coding transcript variant (2).
Genome position (GRCh38, 1-based): chr5:112,707,581, T>G. VCF-style: chr5-112707581-T-G. GRCh37 (hg19) VCF-style: chr5-112043278-T-G.
Other names: c.-320T>G (NM_001354895.2, NM_001407447.1, NM_001407452.1 and 3 more transcripts); c.-137T>G (NM_001354897.2, NM_001354902.2, NM_001407446.1); c.-87T>G (NM_001407448.1, NM_001407450.1, NM_001407457.1 and 1 more transcripts); c.-111T>G (NM_001407453.1); c.-1355T>G (NM_001407470.1, NM_001407472.1).
Identifiers: ClinVar variation 1396270 (VCV001396270.6), dbSNP rs1750580599, ClinGen allele CA2573138778.

ClinVar aggregate classification (germline): Uncertain significance (1 of 4 stars; one submission).

Conditions:
Familial adenomatous polyposis 1 (FAP1). Also called: FAMILIAL ADENOMATOUS POLYPOSIS 1, ATTENUATED; POLYPOSIS, ADENOMATOUS INTESTINAL. Identifiers: MedGen C2713442, MONDO:0021056, OMIM 175100. Disease mechanism: loss of function.

Submission:

Labcorp Genetics (formerly Invitae), Labcorp
Classification: Uncertain significance for Familial adenomatous polyposis 1. Last evaluated: 2025-10-19. Review status: criteria provided, single submitter. Criteria: Invitae Variant Classification Sherloc (09022015). Collection method: clinical testing. Allele origin: germline.
Comment: This variant occurs in a non-coding region of the APC gene. It does not change the encoded amino acid sequence of the APC protein. This variant is not present in population databases (gnomAD no frequency). This variant has not been reported in the literature in individuals affected with APC-related conditions. Experimental studies and prediction algorithms are not available or were not evaluated, and the functional significance of this variant is currently unknown. In summary, the available evidence is currently insufficient to determine the role of this variant in disease. Therefore, it has been classified as a Variant of Uncertain Significance.